The following is an entry in ClinVar:

ClinVar aggregate classification (germline): Uncertain significance (1 of 4 stars; one submission).

Conditions:
Developmental and epileptic encephalopathy, 8 (DEE8). Also called: HYPEREKPLEXIA AND EPILEPSY. Identifiers: Orphanet 163985, Orphanet 2076, MedGen C1845102, MONDO:0010375, OMIM 300607.

Submission:

Labcorp Genetics (formerly Invitae), Labcorp
Classification: Uncertain significance for Developmental and epileptic encephalopathy, 8. Last evaluated: 2024-11-05. Review status: criteria provided, single submitter. Criteria: Invitae Variant Classification Sherloc (09022015). Collection method: clinical testing. Allele origin: germline.
Comment: The ARHGEF9 gene has multiple clinically relevant transcripts. This variant occurs in alternate transcript NM_001173479.1, and corresponds to NM_015185.2:c.-30809G>C in the primary transcript. This sequence change replaces glycine, which is neutral and non-polar, with arginine, which is basic and polar, at codon 9 of the ARHGEF9 protein (p.Gly9Arg). This variant is not present in population databases (gnomAD no frequency). This variant has not been reported in the literature in individuals affected with ARHGEF9-related conditions. Experimental studies and prediction algorithms are not available or were not evaluated, and the functional significance of this variant is currently unknown. In summary, the available evidence is currently insufficient to determine the role of this variant in disease. Therefore, it has been classified as a Variant of Uncertain Significance.

NM_001353921.2(ARHGEF9):c.25G>C (p.Gly9Arg)

Gene: ARHGEF9 (Cdc42 guanine nucleotide exchange factor 9; minus strand). Cytogenetic location: Xq11.1.
Variant type: single nucleotide variant.
Coding change: c.25G>C on transcript NM_001353921.2 (MANE Select); coding-DNA position 25, G replaced by C.
Protein change: p.Gly9Arg; replaces glycine 9 with arginine.
Molecular consequence: missense variant. On other transcripts: 5 prime UTR variant (2).
Genome position (GRCh38, 1-based): chrX:63,785,121, C>G on the plus strand (G>C on the coding strand, the complement: ARHGEF9 is on the minus strand). VCF-style: chrX-63785121-C-G. GRCh37 (hg19) VCF-style: chrX-63005001-C-G.
Other names: c.25G>C, p.Gly9Arg (NM_001173479.2, NM_001353922.2); c.-137G>C (NM_001330495.2, NM_001369043.1); short protein forms G9R.
Identifiers: ClinVar variation 2014329 (VCV002014329.4), dbSNP rs2520345227, ClinGen allele CA413405835.